The following is an entry in ClinVar:

NM_003722.5(TP63):c.*2139G>A

Gene: TP63 (tumor protein p63; plus strand). Cytogenetic location: 3q28.
Variant type: single nucleotide variant.
Coding change: c.*2139G>A on transcript NM_003722.5 (MANE Select); 2139 bases downstream of the stop codon, G replaced by A.
Molecular consequence: 3 prime UTR variant.
Genome position (GRCh38, 1-based): chr3:189,896,641, G>A. VCF-style: chr3-189896641-G-A. GRCh37 (hg19) VCF-style: chr3-189614430-G-A.
Other names: c.*2420G>A (NM_001114978.2, NM_001114981.2); c.*2139G>A (NM_001114980.2, NM_001329146.2, NM_001329148.2 and 1 more transcripts); c.*2410G>A (NM_001329144.2, NM_001329145.2, NM_001329149.2 and 1 more transcripts).
Identifiers: ClinVar variation 344424 (VCV000344424.6), dbSNP rs35356690, ClinGen allele CA10617832.

ClinVar aggregate classification (germline): Benign/Likely benign. Review status: criteria provided, single submitter (1 of 4 stars). 3 submissions from 1 submitter: Benign (2); Likely benign (1). Last evaluated 2018-01-13.

Conditions:
Ectrodactyly, ectodermal dysplasia, and cleft lip-palate syndrome 3. Also called: Ectrodactyly, Ectodermal Dysplasia, Clefting Syndrome; EEC SYNDROME 3; Ectrodactyly, Ectodermal Dysplasia, Clefting Syndrome Type 3 (EEC3); Ectrodactyly, Ectodermal Dysplasia, Cleft Lip/Palate Syndrome 3 (EEC3). Identifiers: Orphanet 1896, MedGen C1858562, MONDO:0011428, OMIM 604292.
TP63-Related Spectrum Disorders.
Orofacial cleft 8. Also called: Cleft lip with or without cleft palate, nonsyndromic, 8. Identifiers: MedGen C1851878, MONDO:0029145, OMIM 618149.

Allele frequency attached by ClinVar (database versions not stated): gnomAD exomes 0.00133; gnomAD 0.00585 and 0.00627; TOPMed 0.00656; 1000 Genomes Project 0.00659; 1000 Genomes Project 30x 0.00734.
gnomAD v4.1: 956 of 207,080 alleles (0.46%); highest among the groups gnomAD compares: African/African-American, 2%; 7 homozygotes.

Submissions (3):

Illumina Laboratory Services, Illumina
Classification: Likely benign for Orofacial cleft 8. Last evaluated: 2018-01-13. Review status: criteria provided, single submitter. Criteria: ICSL Variant Classification Criteria 13 December 2019. Collection method: clinical testing. Allele origin: germline.
Comment: This variant was observed in the ICSL laboratory as part of a predisposition screen in an ostensibly healthy population. It had not been previously curated by ICSL or reported in the Human Gene Mutation Database (HGMD: prior to June 1st, 2018), and was therefore a candidate for classification through an automated scoring system. Utilizing variant allele frequency, disease prevalence and penetrance estimates, and inheritance mode, an automated score was calculated to assess if this variant is too frequent to cause the disease. Based on the score and internal cut-off values, a variant classified as likely benign is not then subjected to further curation. The score for this variant resulted in a classification of likely benign for this disease.

Illumina Laboratory Services, Illumina
Classification: Benign for TP63-Related Spectrum Disorders. Last evaluated: 2018-01-13. Review status: criteria provided, single submitter. Criteria: ICSL Variant Classification Criteria 13 December 2019. Collection method: clinical testing. Allele origin: germline.
Comment: This variant was observed in the ICSL laboratory as part of a predisposition screen in an ostensibly healthy population. It had not been previously curated by ICSL or reported in the Human Gene Mutation Database (HGMD: prior to June 1st, 2018), and was therefore a candidate for classification through an automated scoring system. Utilizing variant allele frequency, disease prevalence and penetrance estimates, and inheritance mode, an automated score was calculated to assess if this variant is too frequent to cause the disease. Based on the score and internal cut-off values, a variant classified as benign is not then subjected to further curation. The score for this variant resulted in a classification of benign for this disease.

Illumina Laboratory Services, Illumina
Classification: Benign for Ectrodactyly, ectodermal dysplasia, and cleft lip-palate syndrome 3. Last evaluated: 2018-01-13. Review status: criteria provided, single submitter. Criteria: ICSL Variant Classification Criteria 13 December 2019. Collection method: clinical testing. Allele origin: germline.
Comment: the same text as in the submission from Illumina Laboratory Services, Illumina above.